The following is an entry in ClinVar:

NM_145038.5(DRC1):c.2147_2148delinsCA (p.Gln716Pro)

Gene: DRC1 (dynein regulatory complex subunit 1; plus strand). Cytogenetic location: 2p23.3.
Variant type: Indel.
Coding change: c.2147_2148delinsCA on transcript NM_145038.5 (MANE Select); coding-DNA positions 2147 to 2148, AG replaced by CA.
Protein change: p.Gln716Pro; replaces glutamine 716 with proline.
Molecular consequence: missense variant.
Genome position (GRCh38, 1-based): chr2:26,455,214-26,455,215, AG replaced by CA. VCF-style: chr2-26455214-AG-CA. GRCh37 (hg19) VCF-style: chr2-26678082-AG-CA.
Other names: short protein forms Q716P.
Identifiers: ClinVar variation 4714291 (VCV004714291.1).
Genomic context (GRCh38, chr2:26,455,214, plus strand): 5'-AGCTGCTGCTGGAAAACAGTTCTCTGGAGCAGCAGAACACAGAGCTGCAGGCGCTACTGC[AG>CA]CAGTATCTGAACTCCAAGGTGGGCGGCGGGGCCTTCCAAGGAGGGGCAGCGGGAGACACG-3'
Protein context (NP_659475.2, residues 706-726): QQNTELQALL[Gln716Pro]QYLNSKINSE

ClinVar aggregate classification (germline): Uncertain significance (1 of 4 stars; one submission).

Conditions:
Primary ciliary dyskinesia. Also called: Ciliary dyskinesia. Identifiers: Orphanet 244, MedGen C0008780, MONDO:0016575, HP:0012265.

Submission:

Labcorp Genetics (formerly Invitae), Labcorp
Classification: Uncertain significance for Primary ciliary dyskinesia. Last evaluated: 2025-03-04. Review status: criteria provided, single submitter. Criteria: Invitae Variant Classification Sherloc (09022015). Collection method: clinical testing. Allele origin: germline.
Comment: This sequence change replaces glutamine, which is neutral and polar, with proline, which is neutral and non-polar, at codon 716 of the DRC1 protein (p.Gln716Pro). Information on the frequency of this variant in the gnomAD database is not available, as this variant may be reported differently in the database. This variant has not been reported in the literature in individuals affected with DRC1-related conditions. An algorithm developed to predict the effect of missense changes on protein structure and function (PolyPhen-2) suggests that this variant is likely to be disruptive. In summary, the available evidence is currently insufficient to determine the role of this variant in disease. Therefore, it has been classified as a Variant of Uncertain Significance.